The following is an entry in ClinVar:

ClinVar aggregate classification (germline): Likely pathogenic. Review status: criteria provided, multiple submitters, no conflicts (2 of 4 stars). 2 submissions from 2 submitters: Likely pathogenic (2). Last evaluated 2020-11-06.

Conditions:
Intellectual developmental disorder, autosomal recessive 2. Also called: Intellectual disability, autosomal recessive 2; MENTAL RETARDATION, AUTOSOMAL RECESSIVE 2A. Identifiers: Orphanet 88616, MedGen C1843942, MONDO:0011828, OMIM 607417.

Submissions (2):

Baylor Genetics
Classification: Likely pathogenic for Intellectual developmental disorder, autosomal recessive 2. Last evaluated: 2020-11-06. Review status: criteria provided, single submitter. Criteria: ACMG Guidelines, 2015. Collection method: clinical testing. Allele origin: unknown. Affected: yes.
Comment: This variant was determined to be likely pathogenic according to ACMG Guidelines, 2015 [PMID:25741868].

GeneDx
Classification: Likely pathogenic. Last evaluated: 2019-03-14. Review status: criteria provided, single submitter. Criteria: GeneDx Variant Classification (06012015). Collection method: clinical testing. Allele origin: germline. Affected: yes.
Comment: The S214X variant in the CRBN gene has not been reported previously as a pathogenic variant nor as a benign variant, to our knowledge. This variant is predicted to cause loss of normal protein function either through protein truncation or nonsense-mediated mRNA decay. The S214X variant is not observed in large population cohorts (Lek et al., 2016). We interpret S214X as a likely pathogenic variant.

NM_016302.4(CRBN):c.641C>G (p.Ser214Ter)

Gene: CRBN (cereblon; minus strand). Cytogenetic location: 3p26.2.
Variant type: single nucleotide variant.
Coding change: c.641C>G on transcript NM_016302.4 (MANE Select); coding-DNA position 641, C replaced by G.
Protein change: p.Ser214Ter; replaces serine 214 with a stop codon.
Molecular consequence: nonsense.
Genome position (GRCh38, 1-based): chr3:3,167,680, G>C on the plus strand (C>G on the coding strand, the complement: CRBN is on the minus strand). VCF-style: chr3-3167680-G-C. GRCh37 (hg19) VCF-style: chr3-3209364-G-C.
Other names: c.638C>G, p.Ser213Ter (NM_001173482.1); short protein forms S213*, S214*.
Identifiers: ClinVar variation 816985 (VCV000816985.2), dbSNP rs1575094649, ClinGen allele CA351452614.